The following is an entry in ClinVar:

NM_001692.4(ATP6V1B1):c.298G>A (p.Asp100Asn)

Gene: ATP6V1B1 (ATPase H+ transporting V1 subunit B1; plus strand). Cytogenetic location: 2p13.3.
Variant type: single nucleotide variant.
Coding change: c.298G>A on transcript NM_001692.4 (MANE Select); coding-DNA position 298, G replaced by A.
Protein change: p.Asp100Asn; replaces aspartic acid 100 with asparagine.
Molecular consequence: missense variant.
Genome position (GRCh38, 1-based): chr2:70,958,357, G>A. VCF-style: chr2-70958357-G-A. GRCh37 (hg19) VCF-style: chr2-71185487-G-A.
Other names: short protein forms D100N.
Identifiers: ClinVar variation 991641 (VCV000991641.6), dbSNP rs531614845, ClinGen allele CA1700986.
Genomic context (GRCh38, chr2:70,958,357, plus strand): 5'-GCCCCTTAGTGGAGAAACTCCCTCTTGTTCCCACAGGTGTTTGAAGGGACATCAGGGATC[G>A]ATGCCAGGAAGACCACTTGCGAATTTACAGGGGACATCCTACGAACTCCGGTGTCAGAGG-3'
Protein context (NP_001683.2, residues 90-110): VQVFEGTSGI[Asp100Asn]ARKTTCEFTG

ClinVar aggregate classification (germline): Conflicting classifications of pathogenicity. Review status: criteria provided, conflicting classifications (1 of 4 stars). 4 submissions from 4 submitters: Uncertain significance (2); Likely benign (1). 1 of the submissions does not count toward it. Last evaluated 2025-09-10.

Conditions:
Renal tubular acidosis with progressive nerve deafness. Also called: Distal Renal Tubular Acidosis with Progressive Sensorineural Deafness; RENAL TUBULAR ACIDOSIS, AUTOSOMAL RECESSIVE, WITH PROGRESSIVE NERVE DEAFNESS; RTA WITH PROGRESSIVE NERVE DEAFNESS; renal tubular acidosis, distal, 2, with progressive sensorineural hearing loss. Identifiers: MedGen C0403554, MONDO:0009968, OMIM 267300.

Allele frequency attached by ClinVar (database versions not stated): gnomAD exomes 0.00002 and 0.00012; gnomAD 0.00007; TOPMed 0.00008; ExAC 0.00011; 1000 Genomes Project 30x 0.00016; 1000 Genomes Project 0.00020.
gnomAD v4.1: 48 of 1,613,844 alleles (0.003%); highest among the groups gnomAD compares: East Asian, 0.074%; no homozygotes.

Submissions (4):

GeneDx
Classification: Uncertain significance. Last evaluated: 2025-09-10. Review status: criteria provided, single submitter. Criteria: GeneDx Variant Classification Process June 2021. Collection method: clinical testing. Allele origin: germline. Affected: yes.
Comment: In silico analysis supports that this missense variant has a deleterious effect on protein structure/function; Reported a heterozygous in an individual with renal hypokalemia in whom whole exome sequencing was performed (PMID: 39382926); Reported as heterozygous in an individual with chronic kidney stones and alkaline urine by a proprietary renal disease panel (PMID: 31738409); This variant is associated with the following publications: (PMID: 39382926, 31738409)

Labcorp Genetics (formerly Invitae), Labcorp
Classification: Likely benign. Last evaluated: 2025-07-20. Review status: criteria provided, single submitter. Criteria: Invitae Variant Classification Sherloc (09022015). Collection method: clinical testing. Allele origin: germline.

Fulgent Genetics
Classification: Uncertain significance for Renal tubular acidosis with progressive nerve deafness. Last evaluated: 2022-04-22. Review status: criteria provided, single submitter. Criteria: ACMG Guidelines, 2015. Collection method: clinical testing. Allele origin: unknown.

Natera, Inc.
Classification: Uncertain significance for Renal tubular acidosis with progressive nerve deafness. Last evaluated: 2020-06-22. Review status: no assertion criteria provided. Collection method: clinical testing. Allele origin: germline. Not counted in ClinVar's aggregate classification.